The following is an entry in ClinVar:

ClinVar aggregate classification (germline): Likely pathogenic (1 of 4 stars; one submission).

Conditions:
Gastrointestinal defects and immunodeficiency syndrome 1 (GIDID1). Also called: Combined immunodeficiency-enteropathy spectrum. Identifiers: Orphanet 436252, MedGen C5968858, MONDO:0800030, OMIM 243150.

Submission:

First Genomix Gene Laboratory, Genetic Diagnostics Department
Classification: Likely pathogenic for Gastrointestinal defects and immunodeficiency syndrome 1. Last evaluated: 2025-09-02. Review status: criteria provided, single submitter. Criteria: ACMG Guidelines, 2015. Collection method: clinical testing. Allele origin: germline. Inheritance: Autosomal recessive inheritance. Affected: no. Observed: 1 variant allele.

NM_020458.4(TTC7A):c.480T>G (p.Tyr160Ter)

Gene: TTC7A (tetratricopeptide repeat domain 7A; plus strand). Cytogenetic location: 2p21.
Variant type: single nucleotide variant.
Coding change: c.480T>G on transcript NM_020458.4 (MANE Select); coding-DNA position 480, T replaced by G.
Protein change: p.Tyr160Ter; replaces tyrosine 160 with a stop codon.
Molecular consequence: nonsense. On other transcripts: 5 prime UTR variant (1).
Genome position (GRCh38, 1-based): chr2:46,956,970, T>G. VCF-style: chr2-46956970-T-G. GRCh37 (hg19) VCF-style: chr2-47184109-T-G.
Other names: c.480T>G, p.Tyr160Ter (NM_001288951.2); c.378T>G, p.Tyr126Ter (NM_001288953.2); c.-425T>G (NM_001288955.2); short protein forms Y126*, Y160*.
Identifiers: ClinVar variation 4850286 (VCV004850286.1).